The following is an entry in ClinVar:

NM_001371533.1(FUT8):c.749A>T (p.Tyr250Phe)

Gene: FUT8 (fucosyltransferase 8; plus strand). Cytogenetic location: 14q23.3.
Variant type: single nucleotide variant.
Coding change: c.749A>T on transcript NM_001371533.1 (MANE Select); coding-DNA position 749, A replaced by T.
Protein change: p.Tyr250Phe; replaces tyrosine 250 with phenylalanine.
Molecular consequence: missense variant. On other transcripts: non-coding transcript variant (1).
Genome position (GRCh38, 1-based): chr14:65,669,394, A>T. VCF-style: chr14-65669394-A-T. GRCh37 (hg19) VCF-style: chr14-66136112-A-T.
Other names: c.749A>T, p.Tyr250Phe (NM_001371534.1, NM_178155.3, NM_178156.2); c.851A>T, p.Tyr284Phe (NM_001371536.1); c.260A>T, p.Tyr87Phe (NM_004480.4); short protein forms Y284F, Y250F, Y87F.
Identifiers: ClinVar variation 2802773 (VCV002802773.3), dbSNP rs2503244608, ClinGen allele CA390119504.

ClinVar aggregate classification (germline): Uncertain significance (1 of 4 stars; one submission).

Submission:

Labcorp Genetics (formerly Invitae), Labcorp
Classification: Uncertain significance. Last evaluated: 2022-10-14. Review status: criteria provided, single submitter. Criteria: Invitae Variant Classification Sherloc (09022015). Collection method: clinical testing. Allele origin: germline.
Comment: In summary, the available evidence is currently insufficient to determine the role of this variant in disease. Therefore, it has been classified as a Variant of Uncertain Significance. Advanced modeling of protein sequence and biophysical properties (such as structural, functional, and spatial information, amino acid conservation, physicochemical variation, residue mobility, and thermodynamic stability) has been performed at Invitae for this missense variant, however the output from this modeling did not meet the statistical confidence thresholds required to predict the impact of this variant on FUT8 protein function. This variant has not been reported in the literature in individuals affected with FUT8-related conditions. This variant is not present in population databases (gnomAD no frequency). This sequence change replaces tyrosine, which is neutral and polar, with phenylalanine, which is neutral and non-polar, at codon 250 of the FUT8 protein (p.Tyr250Phe).